The following is an entry in ClinVar:

ClinVar aggregate classification (germline): Uncertain significance (1 of 4 stars; one submission).

Allele frequency attached by ClinVar (database versions not stated): gnomAD exomes below 0.00001.
gnomAD v4.1: 1 of 1,614,164 alleles (0.000062%); highest among the groups gnomAD compares: Non-Finnish European, 0.000085%; no homozygotes.

Submission:

Labcorp Genetics (formerly Invitae), Labcorp
Classification: Uncertain significance. Last evaluated: 2023-10-03. Review status: criteria provided, single submitter. Criteria: Invitae Variant Classification Sherloc (09022015). Collection method: clinical testing. Allele origin: germline.
Comment: This sequence change replaces serine, which is neutral and polar, with asparagine, which is neutral and polar, at codon 2179 of the FLNB protein (p.Ser2179Asn). This variant is not present in population databases (gnomAD no frequency). This variant has not been reported in the literature in individuals affected with FLNB-related conditions. ClinVar contains an entry for this variant (Variation ID: 1936033). Advanced modeling of protein sequence and biophysical properties (such as structural, functional, and spatial information, amino acid conservation, physicochemical variation, residue mobility, and thermodynamic stability) performed at Invitae indicates that this missense variant is not expected to disrupt FLNB protein function. In summary, the available evidence is currently insufficient to determine the role of this variant in disease. Therefore, it has been classified as a Variant of Uncertain Significance.

NM_001457.4(FLNB):c.6536G>A (p.Ser2179Asn)

Gene: FLNB (filamin B; plus strand). Cytogenetic location: 3p14.3.
Variant type: single nucleotide variant.
Coding change: c.6536G>A on transcript NM_001457.4 (MANE Select); coding-DNA position 6536, G replaced by A.
Protein change: p.Ser2179Asn; replaces serine 2179 with asparagine.
Molecular consequence: missense variant.
Genome position (GRCh38, 1-based): chr3:58,153,543, G>A. VCF-style: chr3-58153543-G-A. GRCh37 (hg19) VCF-style: chr3-58139270-G-A.
Other names: c.6629G>A, p.Ser2210Asn (NM_001164317.2); c.6503G>A, p.Ser2168Asn (NM_001164318.2); c.6464G>A, p.Ser2155Asn (NM_001164319.2); short protein forms S2210N, S2179N, S2155N, S2168N.
Identifiers: ClinVar variation 1936033 (VCV001936033.5), dbSNP rs996116374, ClinGen allele CA75476060.